The following is an entry in ClinVar:

ClinVar aggregate classification (germline): Uncertain significance (1 of 4 stars; one submission).

Allele frequency attached by ClinVar (database versions not stated): ExAC 0.00002; ESP Exome Variant Server 0.00008.

Submission:

Labcorp Genetics (formerly Invitae), Labcorp
Classification: Uncertain significance. Last evaluated: 2024-02-17. Review status: criteria provided, single submitter. Criteria: Invitae Variant Classification Sherloc (09022015). Collection method: clinical testing. Allele origin: germline.
Comment: This sequence change replaces alanine, which is neutral and non-polar, with valine, which is neutral and non-polar, at codon 272 of the ICOSLG protein (p.Ala272Val). This variant is present in population databases (rs374009204, gnomAD 0.007%). This variant has not been reported in the literature in individuals affected with ICOSLG-related conditions. ClinVar contains an entry for this variant (Variation ID: 1898818). Algorithms developed to predict the effect of missense changes on protein structure and function output the following: SIFT: "Not Available"; PolyPhen-2: "Benign"; Align-GVGD: "Not Available". The valine amino acid residue is found in multiple mammalian species, which suggests that this missense change does not adversely affect protein function. In summary, the available evidence is currently insufficient to determine the role of this variant in disease. Therefore, it has been classified as a Variant of Uncertain Significance.

NM_015259.6(ICOSLG):c.815C>T (p.Ala272Val)

Gene: ICOSLG (inducible T cell costimulator ligand; minus strand). Cytogenetic location: 21q22.3.
Variant type: single nucleotide variant.
Coding change: c.815C>T on transcript NM_015259.6 (MANE Select); coding-DNA position 815, C replaced by T.
Protein change: p.Ala272Val; replaces alanine 272 with valine.
Molecular consequence: missense variant.
Genome position (GRCh38, 1-based): chr21:44,231,327, G>A on the plus strand (C>T on the coding strand, the complement: ICOSLG is on the minus strand). VCF-style: chr21-44231327-G-A. GRCh37 (hg19) VCF-style: chr21-45651210-G-A.
Other names: c.815C>T, p.Ala272Val (NM_001283050.2, NM_001395918.1); c.464C>T, p.Ala155Val (NM_001283051.2); c.560C>T, p.Ala187Val (NM_001283052.2); c.734C>T, p.Ala245Val (NM_001365759.2); short protein forms A155V, A272V, A245V, A187V.
Identifiers: ClinVar variation 1898818 (VCV001898818.5), dbSNP rs374009204, ClinGen allele CA321495747.
Genomic context (GRCh38, chr21:44,231,327, plus strand): 5'-GGGCCGTCTCTACCTGCATAGCTGTGTTGGAGGCATCGGTCCCTGCACACCCAGCCTATG[G>A]CCACCGCCACGACCACAAGCAGGCACAGGACAGCCAGGATGCTCCACGTGGCCGCGTTTT-3'
Protein context (NP_056074.1, residues 262-282): VLCLLVVVAV[Ala272Val]IGWVCRDRCL